The following is an entry in ClinVar:

NM_001282531.3(ADNP):c.-90+9901C>T

Gene: ADNP (activity dependent neuroprotector homeobox; minus strand). Cytogenetic location: 20q13.13.
Variant type: single nucleotide variant.
Coding change: c.-90+9901C>T on transcript NM_001282531.3 (MANE Select); 9901 bases into the intron after 90 bases upstream of the start codon, C replaced by T.
Molecular consequence: intron variant. On other transcripts: missense variant (1).
Genome position (GRCh38, 1-based): chr20:50,918,750, G>A on the plus strand (C>T on the coding strand, the complement: ADNP is on the minus strand). VCF-style: chr20-50918750-G-A. GRCh37 (hg19) VCF-style: chr20-49535287-G-A.
Other names: c.200C>T, p.Ala67Val (NM_001439000.1); c.-577+12076C>T (NM_001439001.1); c.-6+12076C>T (NM_181442.4); c.-90+12076C>T (NM_001347511.2); c.-6+9901C>T (NM_015339.5); short protein forms A67V.
Identifiers: ClinVar variation 4873611 (VCV004873611.2).

ClinVar aggregate classification (germline): Likely benign (1 of 4 stars; one submission).

gnomAD v4.1: 31 of 152,154 alleles (0.02%); highest among the groups gnomAD compares: South Asian, 0.041%; no homozygotes.

Submission:

CeGaT Center for Human Genetics Tuebingen
Classification: Likely benign. Last evaluated: 2026-06-01. Review status: criteria provided, single submitter. Criteria: CeGaT Center For Human Genetics Tuebingen Variant Classification Criteria Version 2. Collection method: clinical testing. Allele origin: germline. Affected: yes. Observed: 1 variant allele.
Comment: ADNP: BS2